The following is an entry in ClinVar:

NM_031844.3(HNRNPU):c.533G>C (p.Gly178Ala)

Gene: HNRNPU (heterogeneous nuclear ribonucleoprotein U; minus strand). Cytogenetic location: 1q44.
Variant type: single nucleotide variant.
Coding change: c.533G>C on transcript NM_031844.3 (MANE Select); coding-DNA position 533, G replaced by C.
Protein change: p.Gly178Ala; replaces glycine 178 with alanine.
Molecular consequence: missense variant.
Genome position (GRCh38, 1-based): chr1:244,863,775, C>G on the plus strand (G>C on the coding strand, the complement: HNRNPU is on the minus strand). VCF-style: chr1-244863775-C-G. GRCh37 (hg19) VCF-style: chr1-245027077-C-G.
Other names: c.533G>C, p.Gly178Ala (NM_004501.3); short protein forms G178A.
Identifiers: ClinVar variation 833591 (VCV000833591.12), dbSNP rs1345467904, ClinGen allele CA345496665.
Genomic context (GRCh38, chr1:244,863,775, plus strand): 5'-ACCGTCACCGCGAACAGCGAGGTGGGGCCGCTGCTCTTCCCCGCGGCCTCCTTGGCGGCC[C>G]CGCGCTGCTGTTGGGGCTGTTGCTGCTGCGTCGCCGGCGGTTGAGGCTGCTGCTCCCCGT-3'
Protein context (NP_114032.2, residues 168-188): TQQQQPQQQR[Gly178Ala]AAKEAAGKSS

ClinVar aggregate classification (germline): Conflicting classifications of pathogenicity. Review status: criteria provided, conflicting classifications (1 of 4 stars). 2 submissions from 2 submitters: Uncertain significance (1); Likely benign (1). Last evaluated 2025-07-18.

Conditions:
Developmental and epileptic encephalopathy, 54. Also called: Epileptic encephalopathy, early infantile, 54; HNRNPU-Related Neurodevelopmental Disorder. Identifiers: MedGen C4479319, MONDO:0033363, OMIM 617391.

Allele frequency attached by ClinVar (database versions not stated): TOPMed 0.00001; gnomAD 0.00001.
gnomAD v4.1: 1 of 1,598,758 alleles (0.000063%); highest among the groups gnomAD compares: African/African-American, 0.0013%; no homozygotes.

Submissions (2):

Labcorp Genetics (formerly Invitae), Labcorp
Classification: Likely benign for Developmental and epileptic encephalopathy, 54. Last evaluated: 2025-07-18. Review status: criteria provided, single submitter. Criteria: Invitae Variant Classification Sherloc (09022015). Collection method: clinical testing. Allele origin: germline.

GeneDx
Classification: Uncertain significance. Last evaluated: 2022-01-25. Review status: criteria provided, single submitter. Criteria: GeneDx Variant Classification Process June 2021. Collection method: clinical testing. Allele origin: germline. Affected: yes.
Comment: Not observed at significant frequency in large population cohorts (gnomAD); In silico analysis supports that this missense variant does not alter protein structure/function; Has not been previously published as pathogenic or benign to our knowledge